The following is an entry in ClinVar:

NM_006445.4(PRPF8):c.3657+13C>T

Gene: PRPF8 (pre-mRNA processing factor 8; minus strand). Cytogenetic location: 17p13.3.
Variant type: single nucleotide variant.
Coding change: c.3657+13C>T on transcript NM_006445.4 (MANE Select); 13 bases into the intron after coding-DNA position 3657, C replaced by T.
Molecular consequence: intron variant.
Genome position (GRCh38, 1-based): chr17:1,673,344, G>A on the plus strand (C>T on the coding strand, the complement: PRPF8 is on the minus strand). VCF-style: chr17-1673344-G-A. GRCh37 (hg19) VCF-style: chr17-1576638-G-A.
Identifiers: ClinVar variation 321891 (VCV000321891.13), dbSNP rs141542320, ClinGen allele CA8271843.
Genomic context (GRCh38, chr17:1,673,344, plus strand): 5'-CAACAAGACTCCGGTGACTGACCCAGGAAGTGCAGGCGCGTTCATGTCACTCCCAGCCCC[G>A]CCCAGGCTGTACCTCATTCTGCAGGTTCCAGACCCCGTCCTTGTGGGTGAACTCCTCATA-3'

ClinVar aggregate classification (germline): Benign/Likely benign. Review status: criteria provided, multiple submitters, no conflicts (2 of 4 stars). 3 submissions from 3 submitters: Benign (1); Likely benign (2). Last evaluated 2025-08-21.

Conditions:
Retinitis pigmentosa (RP). Identifiers: Orphanet 791, MedGen C0035334, MeSH D012174, MONDO:0019200, OMIM 268000. Inheritance: Autosomal dominant, autosomal recessive and X linked inheritance.

Allele frequency attached by ClinVar (database versions not stated): ExAC 0.00014; gnomAD 0.00019 and 0.00021; TOPMed 0.00021; gnomAD exomes 0.00024; 1000 Genomes Project 30x 0.00078; 1000 Genomes Project 0.00100.
gnomAD v4.1: 132 of 1,613,616 alleles (0.0082%); highest among the groups gnomAD compares: East Asian, 0.18%; 1 homozygote.

Submissions (3):

Labcorp Genetics (formerly Invitae), Labcorp
Classification: Benign. Last evaluated: 2025-08-21. Review status: criteria provided, single submitter. Criteria: Invitae Variant Classification Sherloc (09022015). Collection method: clinical testing. Allele origin: germline.

Blueprint Genetics
Classification: Likely benign. Last evaluated: 2024-06-05. Review status: criteria provided, single submitter. Criteria: ACMG Guidelines, 2015. Collection method: clinical testing. Allele origin: germline.

Illumina Laboratory Services, Illumina
Classification: Likely benign for Retinitis pigmentosa. Last evaluated: 2018-01-12. Review status: criteria provided, single submitter. Criteria: ICSL Variant Classification Criteria 13 December 2019. Collection method: clinical testing. Allele origin: germline.
Comment: This variant was observed in the ICSL laboratory as part of a predisposition screen in an ostensibly healthy population. It had not been previously curated by ICSL or reported in the Human Gene Mutation Database (HGMD: prior to June 1st, 2018), and was therefore a candidate for classification through an automated scoring system. Utilizing variant allele frequency, disease prevalence and penetrance estimates, and inheritance mode, an automated score was calculated to assess if this variant is too frequent to cause the disease. Based on the score and internal cut-off values, a variant classified as likely benign is not then subjected to further curation. The score for this variant resulted in a classification of likely benign for this disease.